The following is an entry in ClinVar:

ClinVar aggregate classification (germline): Uncertain significance (1 of 4 stars; one submission).

Conditions:
Cardiovascular phenotype. Identifiers: MedGen CN230736.
Hereditary cancer-predisposing syndrome. Also called: Hereditary neoplastic syndrome; Neoplastic Syndromes, Hereditary; Tumor predisposition; Hereditary Cancer Syndrome. Identifiers: Orphanet 140162, MedGen C0027672, MeSH D009386, MONDO:0015356.

Submission:

Ambry Genetics
Classification: Uncertain significance for Cardiovascular phenotype; Hereditary cancer-predisposing syndrome. Last evaluated: 2025-07-07. Review status: criteria provided, single submitter. Criteria: Ambry Variant Classification Scheme 2023. Collection method: clinical testing. Allele origin: germline.
Comment: The p.D1445N variant (also known as c.4333G>A), located in coding exon 32 of the NF1 gene, results from a G to A substitution at nucleotide position 4333. The aspartic acid at codon 1445 is replaced by asparagine, an amino acid with highly similar properties. This amino acid position is conserved. In addition, this alteration is predicted to be tolerated by in silico analysis. Based on the available evidence, the clinical significance of this variant remains unclear.

NM_001042492.3(NF1):c.4396G>A (p.Asp1466Asn)

Gene: NF1 (neurofibromin 1; plus strand). Cytogenetic location: 17q11.2.
Variant type: single nucleotide variant.
Coding change: c.4396G>A on transcript NM_001042492.3 (MANE Select); coding-DNA position 4396, G replaced by A.
Protein change: p.Asp1466Asn; replaces aspartic acid 1466 with asparagine.
Molecular consequence: missense variant.
Genome position (GRCh38, 1-based): chr17:31,259,095, G>A. VCF-style: chr17-31259095-G-A. GRCh37 (hg19) VCF-style: chr17-29586113-G-A.
Other names: c.4333G>A, p.Asp1445Asn (NM_000267.4); short protein forms D1466N, D1445N.
Identifiers: ClinVar variation 4119093 (VCV004119093.1).